The following is an entry in ClinVar:

ClinVar aggregate classification (germline): Uncertain significance (1 of 4 stars; one submission).

Allele frequency attached by ClinVar (database versions not stated): gnomAD exomes below 0.00001; TOPMed below 0.00001.
gnomAD v4.1: 1 of 1,613,810 alleles (0.000062%); highest among the groups gnomAD compares: Non-Finnish European, 0.000085%; no homozygotes.

Submission:

Labcorp Genetics (formerly Invitae), Labcorp
Classification: Uncertain significance. Last evaluated: 2022-09-09. Review status: criteria provided, single submitter. Criteria: Invitae Variant Classification Sherloc (09022015). Collection method: clinical testing. Allele origin: germline.
Comment: This sequence change replaces valine, which is neutral and non-polar, with isoleucine, which is neutral and non-polar, at codon 126 of the ECHS1 protein (p.Val126Ile). This variant is not present in population databases (gnomAD no frequency). This variant has not been reported in the literature in individuals affected with ECHS1-related conditions. Advanced modeling of protein sequence and biophysical properties (such as structural, functional, and spatial information, amino acid conservation, physicochemical variation, residue mobility, and thermodynamic stability) performed at Invitae indicates that this missense variant is not expected to disrupt ECHS1 protein function. In summary, the available evidence is currently insufficient to determine the role of this variant in disease. Therefore, it has been classified as a Variant of Uncertain Significance.

NM_004092.4(ECHS1):c.376G>A (p.Val126Ile)

Gene: ECHS1 (enoyl-CoA hydratase, short chain 1; minus strand). Cytogenetic location: 10q26.3.
Variant type: single nucleotide variant.
Coding change: c.376G>A on transcript NM_004092.4 (MANE Select); coding-DNA position 376, G replaced by A.
Protein change: p.Val126Ile; replaces valine 126 with isoleucine.
Molecular consequence: missense variant.
Genome position (GRCh38, 1-based): chr10:133,369,942, C>T on the plus strand (G>A on the coding strand, the complement: ECHS1 is on the minus strand). VCF-style: chr10-133369942-C-T. GRCh37 (hg19) VCF-style: chr10-135183446-C-T.
Other names: short protein forms V126I.
Identifiers: ClinVar variation 1962455 (VCV001962455.5), dbSNP rs1849082200, ClinGen allele CA378821389.